The following is an entry in ClinVar:

NM_000094.4(COL7A1):c.684G>A (p.Pro228=)

Gene: COL7A1 (collagen type VII alpha 1 chain; minus strand). Cytogenetic location: 3p21.31.
Variant type: single nucleotide variant.
Coding change: c.684G>A on transcript NM_000094.4 (MANE Select); coding-DNA position 684, G replaced by A.
Protein change: p.Pro228=; no amino-acid change (proline 228 retained).
Molecular consequence: synonymous variant.
Genome position (GRCh38, 1-based): chr3:48,592,937, C>T on the plus strand (G>A on the coding strand, the complement: COL7A1 is on the minus strand). VCF-style: chr3-48592937-C-T. GRCh37 (hg19) VCF-style: chr3-48630370-C-T.
Identifiers: ClinVar variation 2041885 (VCV002041885.2), dbSNP rs752563213, ClinGen allele CA2381467.

ClinVar aggregate classification (germline): Uncertain significance (1 of 4 stars; one submission).

gnomAD v4.1: 55 of 1,613,518 alleles (0.0034%); highest among the groups gnomAD compares: East Asian, 0.0045%; no homozygotes.

Submission:

Labcorp Genetics (formerly Invitae), Labcorp
Classification: Uncertain significance. Last evaluated: 2025-12-03. Review status: criteria provided, single submitter. Criteria: Invitae Variant Classification Sherloc (09022015). Collection method: clinical testing. Allele origin: germline.
Comment: This sequence change affects codon 228 of the COL7A1 mRNA. It is a 'silent' change, meaning that it does not change the encoded amino acid sequence of the COL7A1 protein. This variant is present in population databases (rs752563213, gnomAD 0.02%). This variant has not been reported in the literature in individuals affected with COL7A1-related conditions. ClinVar contains an entry for this variant (Variation ID: 2041885). Algorithms developed to predict the effect of sequence changes on RNA splicing suggest that this variant may create or strengthen a splice site. In summary, the available evidence is currently insufficient to determine the role of this variant in disease. Therefore, it has been classified as a Variant of Uncertain Significance.